The following is an entry in ClinVar:

ClinVar aggregate classification (germline): Uncertain significance. Review status: criteria provided, multiple submitters, no conflicts (2 of 4 stars). 6 submissions from 6 submitters: Uncertain significance (6). Last evaluated 2025-04-25.

Conditions:
Hereditary breast ovarian cancer syndrome. Also called: Hereditary breast and ovarian cancer; Hereditary breast and ovarian cancer syndrome (HBOC); Breast and ovarian cancer; Hereditary breast and ovarian cancer syndrome; BRCA1- and BRCA2-Associated Hereditary Breast and Ovarian Cancer; Hereditary breast and/or ovarian cancer syndrome. Identifiers: Orphanet 145, MedGen C0677776, MeSH D061325, MONDO:0003582. Disease mechanism: loss of function.
Hereditary cancer-predisposing syndrome. Also called: Tumor predisposition; Neoplastic Syndromes, Hereditary; Hereditary neoplastic syndrome; Hereditary Cancer Syndrome. Identifiers: Orphanet 140162, MedGen C0027672, MeSH D009386, MONDO:0015356.
BRCA2-related cancer predisposition. Identifiers: MedGen CN377758, MONDO:0700269.

Allele frequency attached by ClinVar (database versions not stated): gnomAD exomes below 0.00001.
gnomAD v4.1: 2 of 1,613,362 alleles (0.00012%); highest among the groups gnomAD compares: Non-Finnish European, 0.000085%; no homozygotes.

Submissions (6):

Women's Health and Genetics/Laboratory Corporation of America, LabCorp
Classification: Uncertain significance. Last evaluated: 2025-04-25. Review status: criteria provided, single submitter. Criteria: LabCorp Variant Classification Summary - May 2015. Collection method: clinical testing. Allele origin: germline.
Comment: Variant summary: BRCA2 c.7444A>G (p.Thr2482Ala) results in a non-conservative amino acid change in the encoded protein sequence. Four of five in-silico tools predict a benign effect of the variant on protein function. The variant was absent in 251276 control chromosomes. The available data on variant occurrences in the general population are insufficient to allow any conclusion about variant significance. c.7444A>G has been observed in individual(s) suspected of Lynch Syndrome (Yurgelun_2015). This report does not provide unequivocal conclusions about association of the variant with Hereditary Breast And Ovarian Cancer Syndrome. To our knowledge, no experimental evidence demonstrating an impact on protein function has been reported. The following publication has been ascertained in the context of this evaluation (PMID: 25980754). ClinVar contains an entry for this variant (Variation ID: 630432). Based on the evidence outlined above, the variant was classified as uncertain significance.

Ambry Genetics
Classification: Uncertain significance for Hereditary cancer-predisposing syndrome. Last evaluated: 2024-10-20. Review status: criteria provided, single submitter. Criteria: Ambry Variant Classification Scheme 2023. Collection method: clinical testing. Allele origin: germline.
Comment: The p.T2482A variant (also known as c.7444A>G), located in coding exon 14 of the BRCA2 gene, results from an A to G substitution at nucleotide position 7444. The threonine at codon 2482 is replaced by alanine, an amino acid with similar properties. This alteration was identified in at least one patient from a cohort of 1040 individuals with advanced cancer diagnoses who underwent paired germline and tumor genetic testing (Mandelker D et al. JAMA. 2017 09;318:825-835). This amino acid position is not well conserved in available vertebrate species. In addition, this alteration is predicted to be tolerated by in silico analysis. Since supporting evidence is limited at this time, the clinical significance of this alteration remains unclear.

Labcorp Genetics (formerly Invitae), Labcorp
Classification: Uncertain significance for Hereditary breast ovarian cancer syndrome. Last evaluated: 2024-08-12. Review status: criteria provided, single submitter. Criteria: Invitae Variant Classification Sherloc (09022015). Collection method: clinical testing. Allele origin: germline.
Comment: This sequence change replaces threonine, which is neutral and polar, with alanine, which is neutral and non-polar, at codon 2482 of the BRCA2 protein (p.Thr2482Ala). This variant is not present in population databases (gnomAD no frequency). This missense change has been observed in individual(s) with clinical features of Lynch syndrome (PMID: 25980754). ClinVar contains an entry for this variant (Variation ID: 630432). Advanced modeling of protein sequence and biophysical properties (such as structural, functional, and spatial information, amino acid conservation, physicochemical variation, residue mobility, and thermodynamic stability) performed at Invitae indicates that this missense variant is not expected to disrupt BRCA2 protein function with a negative predictive value of 95%. In summary, the available evidence is currently insufficient to determine the role of this variant in disease. Therefore, it has been classified as a Variant of Uncertain Significance.

All of Us Research Program, National Institutes of Health
Classification: Uncertain significance for BRCA2-related cancer predisposition. Last evaluated: 2024-07-29. Review status: criteria provided, single submitter. Criteria: ACMG Guidelines, 2015. Collection method: clinical testing. Allele origin: germline. Inheritance: Autosomal dominant inheritance. Observed: 1 variant allele, 1 heterozygote.
Comment: This missense variant replaces threonine with alanine at codon 2482 of the BRCA2 protein. Computational prediction suggests that this variant may not impact protein structure and function. To our knowledge, functional studies have not been reported for this variant. This variant has been reported in an individual suspected to be affected with Lynch syndrome (PMID: 25980754). This variant has not been identified in the general population by the Genome Aggregation Database (gnomAD). The available evidence is insufficient to determine the role of this variant in disease conclusively. Therefore, this variant is classified as a Variant of Uncertain Significance.

This study involves interpretation of variants in research participants for the purpose of population health screening. Participant phenotype was not available at the time of variant classification. Additional details can be found in publication PMID: 35346344, PMCID: PMC8962531

Color Diagnostics, LLC DBA Color Health
Classification: Uncertain significance for Hereditary cancer-predisposing syndrome. Last evaluated: 2024-07-17. Review status: criteria provided, single submitter. Criteria: ACMG Guidelines, 2015. Collection method: clinical testing. Allele origin: germline.
Comment: This missense variant replaces threonine with alanine at codon 2482 of the BRCA2 protein. Computational prediction suggests that this variant may not impact protein structure and function. To our knowledge, functional studies have not been reported for this variant. This variant has been reported in an individual suspected to be affected with Lynch syndrome (PMID: 25980754). This variant has not been identified in the general population by the Genome Aggregation Database (gnomAD). The available evidence is insufficient to determine the role of this variant in disease conclusively. Therefore, this variant is classified as a Variant of Uncertain Significance.

GeneDx
Classification: Uncertain significance. Last evaluated: 2019-12-09. Review status: criteria provided, single submitter. Criteria: GeneDx Variant Classification Process June 2021. Collection method: clinical testing. Allele origin: germline. Affected: yes.
Comment: Not observed in large population cohorts (Lek 2016); In silico analysis, which includes protein predictors and evolutionary conservation, supports that this variant does not alter protein structure/function; Also known as 7672A>G; Observed in individuals with Lynch syndrome related cancer and/or polyps and with advanced cancer (Yurgelun 2015, Mandelker 2017); This variant is associated with the following publications: (PMID: 28873162, 25980754)

Literature cited by the submitters: PubMed 25980754 (cited by 5 submitters); PubMed 28873162 (cited by Ambry Genetics).

NM_000059.4(BRCA2):c.7444A>G (p.Thr2482Ala)

Gene: BRCA2 (BRCA2 DNA repair associated; plus strand). Cytogenetic location: 13q13.1.
Variant type: single nucleotide variant.
Coding change: c.7444A>G on transcript NM_000059.4 (MANE Select); coding-DNA position 7444, A replaced by G.
Protein change: p.Thr2482Ala; replaces threonine 2482 with alanine.
Molecular consequence: missense variant.
Genome position (GRCh38, 1-based): chr13:32,356,436, A>G. VCF-style: chr13-32356436-A-G. GRCh37 (hg19) VCF-style: chr13-32930573-A-G.
Other names: short protein forms T2482A.
Identifiers: ClinVar variation 630432 (VCV000630432.24), dbSNP rs1566241850, ClinGen allele CA387743003.